The following is an entry in ClinVar:

ClinVar aggregate classification (germline): Uncertain significance (1 of 4 stars; one submission).

Conditions:
Neurofibromatosis, type 1 (NF1). Also called: Peripheral type neurofibromatosis; NEUROFIBROMATOSIS, TYPE I, SOMATIC; Neurofibromatosis, type I; VON RECKLINGHAUSEN DISEASE. Identifiers: Orphanet 636, MedGen C0027831, MONDO:0018975, OMIM 162200. Disease mechanism: loss of function.

Submission:

Labcorp Genetics (formerly Invitae), Labcorp
Classification: Uncertain significance for Neurofibromatosis, type 1. Last evaluated: 2022-04-09. Review status: criteria provided, single submitter. Criteria: Invitae Variant Classification Sherloc (09022015). Collection method: clinical testing. Allele origin: germline.
Comment: This sequence change replaces histidine, which is basic and polar, with glutamine, which is neutral and polar, at codon 457 of the NF1 protein (p.His457Gln). This variant is not present in population databases (gnomAD no frequency). This variant has not been reported in the literature in individuals affected with NF1-related conditions. Advanced modeling of protein sequence and biophysical properties (such as structural, functional, and spatial information, amino acid conservation, physicochemical variation, residue mobility, and thermodynamic stability) performed at Invitae indicates that this missense variant is not expected to disrupt NF1 protein function. In summary, the available evidence is currently insufficient to determine the role of this variant in disease. Therefore, it has been classified as a Variant of Uncertain Significance.

NM_001042492.3(NF1):c.1371C>G (p.His457Gln)

Gene: NF1 (neurofibromin 1; plus strand). Cytogenetic location: 17q11.2.
Variant type: single nucleotide variant.
Coding change: c.1371C>G on transcript NM_001042492.3 (MANE Select); coding-DNA position 1371, C replaced by G.
Protein change: p.His457Gln; replaces histidine 457 with glutamine.
Molecular consequence: missense variant.
Genome position (GRCh38, 1-based): chr17:31,206,350, C>G. VCF-style: chr17-31206350-C-G. GRCh37 (hg19) VCF-style: chr17-29533368-C-G.
Other names: c.1371C>G, p.His457Gln (NM_000267.4, NM_001128147.3); short protein forms H457Q.
Identifiers: ClinVar variation 2123453 (VCV002123453.4), dbSNP rs1318894606, ClinGen allele CA398999794.